The following is an entry in ClinVar:

ClinVar aggregate classification (germline): Conflicting classifications of pathogenicity. Review status: criteria provided, conflicting classifications (1 of 4 stars). 4 submissions from 4 submitters: Likely pathogenic (1); Uncertain significance (2). 1 of the submissions does not count toward it. Last evaluated 2023-05-23.

Conditions:
Inborn genetic diseases. Identifiers: MedGen C0950123, MeSH D030342.
Retinal dystrophy. Also called: Inherited retinal dystrophy. Identifiers: Orphanet 71862, MedGen C0854723, MeSH D058499, MONDO:0019118, HP:0000556.
Leber congenital amaurosis 7 (LCA7). Identifiers: Orphanet 65, MedGen C3151192, MONDO:0013449, OMIM 613829.
Cone-rod dystrophy 2 (CORD2). Also called: CONE-ROD RETINAL DYSTROPHY; Cone-rod retinal dystrophy 2. Identifiers: Orphanet 1872, MedGen C3489532, MONDO:0007362, OMIM 120970.
CRX-related disorders.

Allele frequency attached by ClinVar (database versions not stated): gnomAD exomes 0.00001.
gnomAD v4.1: 4 of 1,614,198 alleles (0.00025%); highest among the groups gnomAD compares: South Asian, 0.0033%; no homozygotes.

Submissions (4):

Ambry Genetics
Classification: Uncertain significance for Inborn genetic diseases. Last evaluated: 2023-05-23. Review status: criteria provided, single submitter. Criteria: Ambry Variant Classification Scheme 2023. Collection method: clinical testing. Allele origin: germline.

Labcorp Genetics (formerly Invitae), Labcorp
Classification: Uncertain significance for Cone-rod dystrophy 2; Leber congenital amaurosis 7. Last evaluated: 2022-07-19. Review status: criteria provided, single submitter. Criteria: Invitae Variant Classification Sherloc (09022015). Collection method: clinical testing. Allele origin: germline.
Comment: In summary, the available evidence is currently insufficient to determine the role of this variant in disease. Therefore, it has been classified as a Variant of Uncertain Significance. Algorithms developed to predict the effect of missense changes on protein structure and function (SIFT, PolyPhen-2, Align-GVGD) all suggest that this variant is likely to be disruptive. ClinVar contains an entry for this variant (Variation ID: 1435083). This variant has not been reported in the literature in individuals affected with CRX-related conditions. This variant is present in population databases (no rsID available, gnomAD 0.003%). This sequence change replaces threonine, which is neutral and polar, with isoleucine, which is neutral and non-polar, at codon 47 of the CRX protein (p.Thr47Ile).

Blueprint Genetics
Classification: Likely pathogenic for CRX-related disorders. Last evaluated: 2022-06-28. Review status: criteria provided, single submitter. Criteria: ACMG Guidelines, 2015. Collection method: clinical testing. Allele origin: germline. Affected: yes. Observed: 2 variant alleles.

Institute of Human Genetics, Univ. Regensburg, Univ. Regensburg
Classification: Uncertain significance for Retinal dystrophy. Last evaluated: 2023-01-01. Review status: no assertion criteria provided. Criteria: ACMG Guidelines, 2015. Collection method: clinical testing. Allele origin: germline. Affected: yes. Not counted in ClinVar's aggregate classification.

NM_000554.6(CRX):c.140C>T (p.Thr47Ile)

Gene: CRX (cone-rod homeobox; plus strand). Cytogenetic location: 19q13.33.
Variant type: single nucleotide variant.
Coding change: c.140C>T on transcript NM_000554.6 (MANE Select); coding-DNA position 140, C replaced by T.
Protein change: p.Thr47Ile; replaces threonine 47 with isoleucine.
Molecular consequence: missense variant.
Genome position (GRCh38, 1-based): chr19:47,836,282, C>T. VCF-style: chr19-47836282-C-T. GRCh37 (hg19) VCF-style: chr19-48339539-C-T.
Other names: c.140C>T (NM_000554.4); short protein forms T47I.
Identifiers: ClinVar variation 1435083 (VCV001435083.9), dbSNP rs1203670123, ClinGen allele CA406629500.